The following is an entry in ClinVar:

NM_006892.4(DNMT3B):c.2346A>C (p.Lys782Asn)

Gene: DNMT3B (DNA methyltransferase 3 beta; plus strand). Cytogenetic location: 20q11.21.
Variant type: single nucleotide variant.
Coding change: c.2346A>C on transcript NM_006892.4 (MANE Select); coding-DNA position 2346, A replaced by C.
Protein change: p.Lys782Asn; replaces lysine 782 with asparagine.
Molecular consequence: missense variant. On other transcripts: intron variant (3).
Genome position (GRCh38, 1-based): chr20:32,806,253, A>C. VCF-style: chr20-32806253-A-C. GRCh37 (hg19) VCF-style: chr20-31394059-A-C.
Other names: c.2286A>C, p.Lys762Asn (NM_175848.2); c.2322A>C, p.Lys774Asn (NM_175850.3); c.2172-1509A>C (NM_175849.2); c.2046-1509A>C (NM_001207055.2); c.1944-1509A>C (NM_001207056.2); short protein forms K782N, K762N, K774N.
Identifiers: ClinVar variation 530705 (VCV000530705.10), dbSNP rs1555842652, ClinGen allele CA408592358.

ClinVar aggregate classification (germline): Uncertain significance (1 of 4 stars; one submission).

Conditions:
Centromeric instability of chromosomes 1,9 and 16 and immunodeficiency (ICF1). Also called: IMMUNE DEFICIENCY, VARIABLE, WITH CENTROMERIC INSTABILITY OF CHROMOSOMES 1, 9, AND 16; IMMUNODEFICIENCY SYNDROME, VARIABLE; CENTROMERIC INSTABILITY, IMMUNODEFICIENCY SYNDROME; Immunodeficiency-centromeric instability-facial anomalies. Identifiers: Orphanet 2268, MedGen C0398788, MONDO:0000133.

Submission:

Labcorp Genetics (formerly Invitae), Labcorp
Classification: Uncertain significance for Centromeric instability of chromosomes 1,9 and 16 and immunodeficiency. Last evaluated: 2020-03-06. Review status: criteria provided, single submitter. Criteria: Invitae Variant Classification Sherloc (09022015). Collection method: clinical testing. Allele origin: germline.
Comment: This sequence change replaces lysine with asparagine at codon 782 of the DNMT3B protein (p.Lys782Asn). The lysine residue is weakly conserved and there is a moderate physicochemical difference between lysine and asparagine. This variant is not present in population databases (ExAC no frequency). In summary, the available evidence is currently insufficient to determine the role of this variant in disease. Therefore, it has been classified as a Variant of Uncertain Significance. Algorithms developed to predict the effect of missense changes on protein structure and function do not agree on the potential impact of this missense change (SIFT: "Deleterious"; PolyPhen-2: "Benign"; Align-GVGD: "Class C0"). This variant has not been reported in the literature in individuals with DNMT3B-related disease.